The following is an entry in ClinVar:

ClinVar aggregate classification (germline): Likely benign. Review status: criteria provided, single submitter (1 of 4 stars). 2 submissions from 2 submitters: Likely benign (1). 1 of the submissions does not count toward it. Last evaluated 2024-03-01.

Conditions:
PLCG2-related disorder. Also called: PLCG2-related condition.
Familial cold autoinflammatory syndrome 3 (FCAS3). Also called: FAMILIAL ATYPICAL COLD URTICARIA; ANTIBODY DEFICIENCY AND IMMUNE DYSREGULATION, PLCG2-ASSOCIATED. Identifiers: Orphanet 300359, MedGen C3280914, MONDO:0013766, OMIM 614468.

Allele frequency attached by ClinVar (database versions not stated): gnomAD exomes below 0.00001.
gnomAD v4.1: 5 of 1,614,096 alleles (0.00031%); highest among the groups gnomAD compares: Non-Finnish European, 0.00042%; no homozygotes.

Submissions (2):

Labcorp Genetics (formerly Invitae), Labcorp
Classification: Likely benign for Familial cold autoinflammatory syndrome 3. Last evaluated: 2024-03-01. Review status: criteria provided, single submitter. Criteria: Invitae Variant Classification Sherloc (09022015). Collection method: clinical testing. Allele origin: germline.

PreventionGenetics, part of Exact Sciences
Classification: Likely benign for PLCG2-related condition. Last evaluated: 2021-07-29. Review status: no assertion criteria provided. Collection method: clinical testing. Allele origin: germline. Not counted in ClinVar's aggregate classification.
Comment: This variant is classified as likely benign based on ACMG/AMP sequence variant interpretation guidelines (Richards et al. 2015 PMID: 25741868, with internal and published modifications).

NM_002661.5(PLCG2):c.3597C>T (p.Ser1199=)

Gene: PLCG2 (phospholipase C gamma 2; plus strand). Cytogenetic location: 16q23.3.
Variant type: single nucleotide variant.
Coding change: c.3597C>T on transcript NM_002661.5 (MANE Select); coding-DNA position 3597, C replaced by T.
Protein change: p.Ser1199=; no amino-acid change (serine 1199 retained).
Molecular consequence: synonymous variant.
Genome position (GRCh38, 1-based): chr16:81,956,721, C>T. VCF-style: chr16-81956721-C-T. GRCh37 (hg19) VCF-style: chr16-81990326-C-T.
Other names: c.3597C>T, p.Ser1199= (NM_001425749.1, NM_001425750.1, NM_001425751.1).
Identifiers: ClinVar variation 3061674 (VCV003061674.4), dbSNP rs1386427506, ClinGen allele CA496703712.
Genomic context (GRCh38, chr16:81,956,721, plus strand): 5'-ACCACATGGTTGTTCTCTCCCCTGCATCCTCCAGGAGAGCGAAGAGGAACTTTACTCCTC[C>T]TGTCGCCAGCTGAGGAGGCGGCAAGAAGAACTGAACAACCAGCTCTTTCTGTATGACACA-3'
Protein context (NP_002652.2, residues 1189-1209): VLESEEELYS[Ser1199=]CRQLRRRQEE